The following is an entry in ClinVar:

NM_001378454.1(ALMS1):c.5655_6063del (p.Lys1885_Thr1886insTer)

Gene: ALMS1 (ALMS1 centrosome and basal body associated protein; plus strand). Cytogenetic location: 2p13.1.
Variant type: Deletion.
Coding change: c.5655_6063del on transcript NM_001378454.1 (MANE Select); coding-DNA positions 5655 to 6063, 409 bases deleted.
Protein change: p.Lys1885_Thr1886insTer.
Molecular consequence: frameshift variant.
Genome position (GRCh38, 1-based): chr2:73,452,182-73,452,590, 409 bases deleted. GRCh37 (hg19): chr2:73,679,309-73,679,717.
Other names: c.5658_6066del, p.Lys1886_Thr1887insTer (NM_015120.4).
Identifiers: ClinVar variation 1451558 (VCV001451558.1), dbSNP rs2103787249, ClinGen allele CA2573135792.

ClinVar aggregate classification (germline): Pathogenic (1 of 4 stars; one submission).

Conditions:
Alstrom syndrome (ALMS). Identifiers: Orphanet 64, MedGen C0268425, MONDO:0008763, OMIM 203800.

Submission:

Labcorp Genetics (formerly Invitae), Labcorp
Classification: Pathogenic for Alstrom syndrome. Last evaluated: 2021-11-18. Review status: criteria provided, single submitter. Criteria: Invitae Variant Classification Sherloc (09022015). Collection method: clinical testing. Allele origin: germline.
Comment: This sequence change creates a premature translational stop signal (p.Gln1885Hisfs*3) in the ALMS1 gene. It is expected to result in an absent or disrupted protein product. Loss-of-function variants in ALMS1 are known to be pathogenic (PMID: 17594715). This variant is not present in population databases (gnomAD no frequency). This variant has not been reported in the literature in individuals affected with ALMS1-related conditions. For these reasons, this variant has been classified as Pathogenic.

Literature cited by the submitters: PubMed 17594715.